The following is an entry in ClinVar:

NM_000204.5(CFI):c.1203C>A (p.His401Gln)

Gene: CFI (complement factor I; minus strand). Cytogenetic location: 4q25.
Variant type: single nucleotide variant.
Coding change: c.1203C>A on transcript NM_000204.5 (MANE Select); coding-DNA position 1203, C replaced by A.
Protein change: p.His401Gln; replaces histidine 401 with glutamine.
Molecular consequence: missense variant. On other transcripts: non-coding transcript variant (2).
Genome position (GRCh38, 1-based): chr4:109,746,448, G>T on the plus strand (C>A on the coding strand, the complement: CFI is on the minus strand). VCF-style: chr4-109746448-G-T. GRCh37 (hg19) VCF-style: chr4-110667604-G-T.
Other names: c.1227C>A, p.His409Gln (NM_001318057.2, NM_001375278.1); c.1182C>A, p.His394Gln (NM_001331035.2, NM_001375280.1, NM_001375282.1); c.1203C>A, p.His401Gln (NM_001375279.1, NM_001375281.1); c.1146C>A, p.His382Gln (NM_001375283.1); c.594C>A, p.His198Gln (NM_001375284.1); short protein forms H401Q, H409Q, H382Q, H394Q, H198Q.
Identifiers: ClinVar variation 2100254 (VCV002100254.5), dbSNP rs777911239, ClinGen allele CA3041974.

ClinVar aggregate classification (germline): Uncertain significance. Review status: criteria provided, multiple submitters, no conflicts (2 of 4 stars). 2 submissions from 2 submitters: Uncertain significance (2). Last evaluated 2025-02-01.

Conditions:
Inborn genetic diseases. Identifiers: MedGen C0950123, MeSH D030342.

Allele frequency attached by ClinVar (database versions not stated): ExAC 0.00001.
gnomAD v4.1: 14 of 1,613,700 alleles (0.00087%); highest among the groups gnomAD compares: Non-Finnish European, 0.0012%; no homozygotes.

Submissions (2):

Ambry Genetics
Classification: Uncertain significance for Inborn genetic diseases. Last evaluated: 2025-02-01. Review status: criteria provided, single submitter. Criteria: Ambry Variant Classification Scheme 2023. Collection method: clinical testing. Allele origin: germline.

Labcorp Genetics (formerly Invitae), Labcorp
Classification: Uncertain significance. Last evaluated: 2022-02-20. Review status: criteria provided, single submitter. Criteria: Invitae Variant Classification Sherloc (09022015). Collection method: clinical testing. Allele origin: germline.
Comment: This variant has not been reported in the literature in individuals affected with CFI-related conditions. This variant is present in population databases (rs777911239, gnomAD 0.0009%). This sequence change replaces histidine, which is basic and polar, with glutamine, which is neutral and polar, at codon 401 of the CFI protein (p.His401Gln). Advanced modeling of protein sequence and biophysical properties (such as structural, functional, and spatial information, amino acid conservation, physicochemical variation, residue mobility, and thermodynamic stability) performed at Invitae indicates that this missense variant is not expected to disrupt CFI protein function. In summary, the available evidence is currently insufficient to determine the role of this variant in disease. Therefore, it has been classified as a Variant of Uncertain Significance.